The following is an entry in ClinVar:

ClinVar aggregate classification (germline): Uncertain significance. Review status: criteria provided, multiple submitters, no conflicts (2 of 4 stars). 2 submissions from 2 submitters: Uncertain significance (2). Last evaluated 2024-04-17.

Conditions:
Cardiovascular phenotype. Identifiers: MedGen CN230736.
Atrioventricular septal defect 4 (AVSD4). Identifiers: MedGen C3280781, MONDO:0013747, OMIM 614430.

Allele frequency attached by ClinVar (database versions not stated): gnomAD 0.00001; TOPMed 0.00003.
gnomAD v4.1: 4 of 1,614,122 alleles (0.00025%); highest among the groups gnomAD compares: Admixed American, 0.0017%; no homozygotes.

Submissions (2):

Ambry Genetics
Classification: Uncertain significance for Cardiovascular phenotype. Last evaluated: 2024-04-17. Review status: criteria provided, single submitter. Criteria: Ambry Variant Classification Scheme 2023. Collection method: clinical testing. Allele origin: germline.
Comment: The c.998-3C>T intronic variant results from a C to T substitution 3 nucleotides upstream from coding exon 5 in the GATA4 gene. This nucleotide position is well conserved in available vertebrate species. In silico splice site analysis for this alteration is inconclusive. Based on the available evidence, the clinical significance of this variant remains unclear.

Labcorp Genetics (formerly Invitae), Labcorp
Classification: Uncertain significance for Atrioventricular septal defect 4. Last evaluated: 2024-03-14. Review status: criteria provided, single submitter. Criteria: Invitae Variant Classification Sherloc (09022015). Collection method: clinical testing. Allele origin: germline.
Comment: This sequence change falls in intron 5 of the GATA4 gene. It does not directly change the encoded amino acid sequence of the GATA4 protein. It affects a nucleotide within the consensus splice site. This variant is not present in population databases (gnomAD no frequency). This variant has not been reported in the literature in individuals affected with GATA4-related conditions. ClinVar contains an entry for this variant (Variation ID: 2162876). Variants that disrupt the consensus splice site are a relatively common cause of aberrant splicing (PMID: 17576681, 9536098). Algorithms developed to predict the effect of sequence changes on RNA splicing suggest that this variant is not likely to affect RNA splicing. In summary, the available evidence is currently insufficient to determine the role of this variant in disease. Therefore, it has been classified as a Variant of Uncertain Significance.

Literature cited by the submitters: PubMed 17576681 (cited by Labcorp Genetics (formerly Invitae), Labcorp); PubMed 9536098 (cited by Labcorp Genetics (formerly Invitae), Labcorp).

NM_001308093.3(GATA4):c.1001-3C>T

Gene: GATA4 (GATA binding protein 4). Cytogenetic location: 8p23.1.
Variant type: single nucleotide variant.
Coding change: c.1001-3C>T on transcript NM_001308093.3 (MANE Select); 3 bases into the intron before coding-DNA position 1001, C replaced by T.
Molecular consequence: intron variant.
Genome position (GRCh38, 1-based): chr8:11,756,932, C>T. VCF-style: chr8-11756932-C-T. GRCh37 (hg19) VCF-style: chr8-11614441-C-T.
Other names: c.380-3C>T (NM_001308094.2, NM_001374273.1); c.998-3C>T (NM_002052.5, NM_002052.3); c.254-3C>T (NM_001374274.1).
Identifiers: ClinVar variation 2162876 (VCV002162876.5), dbSNP rs1184164811, ClinGen allele CA1110746744.